The following is an entry in ClinVar:

NM_005236.3(ERCC4):c.1739T>C (p.Leu580Pro)

Gene: ERCC4 (ERCC excision repair 4, endonuclease catalytic subunit; plus strand). Cytogenetic location: 16p13.12.
Variant type: single nucleotide variant.
Coding change: c.1739T>C on transcript NM_005236.3 (MANE Select); coding-DNA position 1739, T replaced by C.
Protein change: p.Leu580Pro; replaces leucine 580 with proline.
Molecular consequence: missense variant.
Genome position (GRCh38, 1-based): chr16:13,935,671, T>C. VCF-style: chr16-13935671-T-C. GRCh37 (hg19) VCF-style: chr16-14029528-T-C.
Other names: short protein forms L580P.
Identifiers: ClinVar variation 1003655 (VCV001003655.9), dbSNP rs2032274770, ClinGen allele CA394812550.

ClinVar aggregate classification (germline): Uncertain significance. Review status: criteria provided, multiple submitters, no conflicts (2 of 4 stars). 2 submissions from 2 submitters: Uncertain significance (2). Last evaluated 2021-09-30.

Conditions:
Xeroderma pigmentosum (XP). Identifiers: Orphanet 910, MedGen C0043346, MONDO:0019600.
Xeroderma pigmentosum, group F (XPF). Also called: ERCC4-Related Xeroderma Pigmentosum; XERODERMA PIGMENTOSUM VI; XP, GROUP F; XERODERMA PIGMENTOSUM, COMPLEMENTATION GROUP F; Xeroderma pigmentosum, type 6; XERODERMA PIGMENTOSUM, TYPE F. Identifiers: MedGen C0268140, MONDO:0010215, OMIM 278760.
Cockayne syndrome. Identifiers: Orphanet 191, MedGen C0009207, MONDO:0016006.
Fanconi anemia complementation group Q. Identifiers: Orphanet 84, MedGen C3808988, MONDO:0014108, OMIM 615272.

Allele frequency attached by ClinVar (database versions not stated): gnomAD exomes below 0.00001.
gnomAD v4.1: 1 of 1,614,156 alleles (0.000062%); highest among the groups gnomAD compares: Non-Finnish European, 0.000085%; no homozygotes.

Submissions (2):

Sema4
Classification: Uncertain significance for Xeroderma pigmentosum. Last evaluated: 2021-09-30. Review status: criteria provided, single submitter. Criteria: Sema4 Curation Guidelines. Collection method: curation. Allele origin: germline.
Comment: The ERCC4 c.1739T>C (p.L580P) variant has not been reported in the literature to our knowledge. It was not observed in the large and broad cohorts of the Genome Aggregation Database. The variant has been reported in ClinVar (Variation ID: 1003655). In silico tools suggest the impact of the variant on protein function is deleterious, though these predictions have not been confirmed by functional studies. The evidence is insufficient to meet ACMG/AMP criteria for classifying the variant as benign or pathogenic. Thus, the clinical significance of this variant is currently uncertain.

Labcorp Genetics (formerly Invitae), Labcorp
Classification: Uncertain significance for Fanconi anemia complementation group Q; Xeroderma pigmentosum, group F; Cockayne syndrome. Last evaluated: 2020-09-24. Review status: criteria provided, single submitter. Criteria: Invitae Variant Classification Sherloc (09022015). Collection method: clinical testing. Allele origin: germline.
Comment: This sequence change replaces leucine with proline at codon 580 of the ERCC4 protein (p.Leu580Pro). The leucine residue is highly conserved and there is a moderate physicochemical difference between leucine and proline. This variant is not present in population databases (ExAC no frequency). This variant has not been reported in the literature in individuals with ERCC4-related conditions. Algorithms developed to predict the effect of missense changes on protein structure and function (SIFT, PolyPhen-2, Align-GVGD) all suggest that this variant is likely to be disruptive, but these predictions have not been confirmed by published functional studies and their clinical significance is uncertain. In summary, the available evidence is currently insufficient to determine the role of this variant in disease. Therefore, it has been classified as a Variant of Uncertain Significance.